The following is an entry in ClinVar:

ClinVar aggregate classification (germline): Pathogenic (1 of 4 stars; one submission).

Conditions:
Cohen syndrome (COH1). Also called: PEPPER SYNDROME; Cutis verticis gyrata, retinitis pigmentosa, and sensorineural deafness. Identifiers: Orphanet 193, MedGen C0265223, MONDO:0008999, OMIM 216550.

Submission:

Myriad Genetics, Inc.
Classification: Pathogenic for Cohen syndrome. Last evaluated: 2024-04-16. Review status: criteria provided, single submitter. Criteria: Myriad Autosomal Dominant, Autosomal Recessive and X-Linked Classification Criteria (2023). Collection method: clinical testing. Allele origin: unknown.
Comment: NM_017890.4(VPS13B):c.2202T>A(Y734*) is expected to be pathogenic in the context of Cohen syndrome. This variant is predicted to lead to an abnormal or absent protein product due to the creation of a premature termination codon in VPS13B, a gene where loss-of-function variants are known to be pathogenic. Please note: this variant was assessed in the context of healthy population screening.

NM_152564.5(VPS13B):c.2202T>A (p.Tyr734Ter)

Gene: VPS13B (vacuolar protein sorting 13 homolog B; plus strand). Cytogenetic location: 8q22.2.
Variant type: single nucleotide variant.
Coding change: c.2202T>A on transcript NM_152564.5 (MANE Select); coding-DNA position 2202, T replaced by A.
Protein change: p.Tyr734Ter; replaces tyrosine 734 with a stop codon.
Molecular consequence: nonsense.
Genome position (GRCh38, 1-based): chr8:99,156,737, T>A. VCF-style: chr8-99156737-T-A. GRCh37 (hg19) VCF-style: chr8-100168965-T-A.
Other names: c.2202T>A, p.Tyr734Ter (NM_015243.3, NM_017890.5); short protein forms Y734*.
Identifiers: ClinVar variation 5012923 (VCV005012923.1).